The following is an entry in ClinVar:

ClinVar aggregate classification (germline): Uncertain significance. Review status: criteria provided, multiple submitters, no conflicts (2 of 4 stars). 2 submissions from 2 submitters: Uncertain significance (2). Last evaluated 2024-02-26.

Conditions:
Tuberous sclerosis 2 (TSC2). Identifiers: Orphanet 805, MedGen C1860707, MONDO:0013199, OMIM 613254.
Hereditary cancer-predisposing syndrome. Also called: Hereditary neoplastic syndrome; Neoplastic Syndromes, Hereditary; Tumor predisposition; Hereditary Cancer Syndrome. Identifiers: Orphanet 140162, MedGen C0027672, MeSH D009386, MONDO:0015356.

gnomAD v4.1: 3 of 1,613,420 alleles (0.00019%); highest among the groups gnomAD compares: South Asian, 0.0011%; no homozygotes.

Submissions (2):

Ambry Genetics
Classification: Uncertain significance for Hereditary cancer-predisposing syndrome. Last evaluated: 2024-02-26. Review status: criteria provided, single submitter. Criteria: Ambry Variant Classification Scheme 2023. Collection method: clinical testing. Allele origin: germline.
Comment: The p.D647E variant (also known as c.1941C>G), located in coding exon 17 of the TSC2 gene, results from a C to G substitution at nucleotide position 1941. The aspartic acid at codon 647 is replaced by glutamic acid, an amino acid with highly similar properties. This amino acid position is conserved. In addition, the in silico prediction for this alteration is inconclusive. Based on the available evidence, the clinical significance of this alteration remains unclear.

Labcorp Genetics (formerly Invitae), Labcorp
Classification: Uncertain significance for Tuberous sclerosis 2. Last evaluated: 2021-10-12. Review status: criteria provided, single submitter. Criteria: Invitae Variant Classification Sherloc (09022015). Collection method: clinical testing. Allele origin: germline.
Comment: This variant has not been reported in the literature in individuals affected with TSC2-related conditions. This variant is not present in population databases (ExAC no frequency). This sequence change replaces aspartic acid with glutamic acid at codon 647 of the TSC2 protein (p.Asp647Glu). The aspartic acid residue is highly conserved and there is a small physicochemical difference between aspartic acid and glutamic acid. Advanced modeling of protein sequence and biophysical properties (such as structural, functional, and spatial information, amino acid conservation, physicochemical variation, residue mobility, and thermodynamic stability) performed at Invitae indicates that this missense variant is not expected to disrupt TSC2 protein function. In summary, the available evidence is currently insufficient to determine the role of this variant in disease. Therefore, it has been classified as a Variant of Uncertain Significance.

NM_000548.5(TSC2):c.1941C>G (p.Asp647Glu)

Gene: TSC2 (TSC complex subunit 2; plus strand). Cytogenetic location: 16p13.3.
Variant type: single nucleotide variant.
Coding change: c.1941C>G on transcript NM_000548.5 (MANE Select); coding-DNA position 1941, C replaced by G.
Protein change: p.Asp647Glu; replaces aspartic acid 647 with glutamic acid.
Molecular consequence: missense variant.
Genome position (GRCh38, 1-based): chr16:2,071,611, C>G. VCF-style: chr16-2071611-C-G. GRCh37 (hg19) VCF-style: chr16-2121612-C-G.
Other names: c.1941C>G, p.Asp647Glu (NM_001077183.3, NM_001114382.3, NM_001363528.2 and 3 more transcripts); c.1830C>G, p.Asp610Glu (NM_001318827.2); c.1794C>G, p.Asp598Glu (NM_001318829.2); c.1341C>G, p.Asp447Glu (NM_001318831.2); c.1974C>G, p.Asp658Glu (NM_001318832.2); c.1941C>G (NM_000548.3); short protein forms D658E, D610E, D647E, D447E, D598E.
Identifiers: ClinVar variation 1042911 (VCV001042911.7), dbSNP rs1326318078, ClinGen allele CA394273388.
Genomic context (GRCh38, chr16:2,071,611, plus strand): 5'-CCGCCTGGGCCTGCCCAACAAGGATGGAGTCGTGCGGTTCAGCCCCTACTGCGTCTGCGA[C>G]TACATGTACGCGGGACCTCGCCCACGGCCCATGAGGCTCAGGGCGTCAGAGGCGCTGGGG-3'
Protein context (NP_000539.2, residues 637-657): VVRFSPYCVC[Asp647Glu]YMEPERGSEK